The following is an entry in ClinVar:

NM_000444.6(PHEX):c.1050del (p.Leu350fs)

Gene: PHEX (phosphate regulating endopeptidase X-linked; plus strand). Cytogenetic location: Xp22.11.
Variant type: Deletion.
Coding change: c.1050del on transcript NM_000444.6 (MANE Select); coding-DNA position 1050, one base deleted (G; older notation c.1050delG).
Protein change: p.Leu350fs; shifts the reading frame from leucine 350.
Molecular consequence: frameshift variant.
Genome position (GRCh38, 1-based): chrX:22,099,122, G deleted. VCF-style (leftmost placement, unchanged base first): chrX-22099121-TG-T. GRCh37 (hg19) VCF-style: chrX-22117239-TG-T.
Other names: c.1050del, p.Leu350fs (NM_001282754.2); short protein forms L350fs.
Identifiers: ClinVar variation 2104756 (VCV002104756.4), dbSNP rs2519780068, ClinGen allele CA2580100471.

ClinVar aggregate classification (germline): Pathogenic (1 of 4 stars; one submission).

Submission:

Labcorp Genetics (formerly Invitae), Labcorp
Classification: Pathogenic. Last evaluated: 2025-07-24. Review status: criteria provided, single submitter. Criteria: Invitae Variant Classification Sherloc (09022015). Collection method: clinical testing. Allele origin: germline.
Comment: This sequence change creates a premature translational stop signal (p.Leu350Phefs*5) in the PHEX gene. It is expected to result in an absent or disrupted protein product. Loss-of-function variants in PHEX are known to be pathogenic (PMID: 9097956, 9106524, 19219621). This variant is not present in population databases (gnomAD no frequency). This variant has not been reported in the literature in individuals affected with PHEX-related conditions. ClinVar contains an entry for this variant (Variation ID: 2104756). For these reasons, this variant has been classified as Pathogenic.

Literature cited by the submitters: PubMed 9097956; PubMed 9106524; PubMed 19219621.